The following is an entry in ClinVar:

ClinVar aggregate classification (germline): Conflicting classifications of pathogenicity. Review status: criteria provided, conflicting classifications (1 of 4 stars). 2 submissions from 2 submitters: Uncertain significance (1); Likely benign (1). Last evaluated 2023-06-01.

Allele frequency attached by ClinVar (database versions not stated): gnomAD 0.00001; TOPMed 0.00001; gnomAD exomes 0.00003; ExAC 0.00005; 1000 Genomes Project 30x 0.00016; 1000 Genomes Project 0.00020.
gnomAD v4.1: 49 of 1,613,896 alleles (0.003%); highest among the groups gnomAD compares: South Asian, 0.045%; 1 homozygote.

Submissions (2):

CeGaT Center for Human Genetics Tuebingen
Classification: Uncertain significance. Last evaluated: 2023-06-01. Review status: criteria provided, single submitter. Criteria: CeGaT Center For Human Genetics Tuebingen Variant Classification Criteria Version 2. Collection method: clinical testing. Allele origin: germline. Affected: yes. Observed: 1 variant allele.
Comment: KMT2B: PM2, BP4

Labcorp Genetics (formerly Invitae), Labcorp
Classification: Likely benign. Last evaluated: 2022-11-08. Review status: criteria provided, single submitter. Criteria: Invitae Variant Classification Sherloc (09022015). Collection method: clinical testing. Allele origin: germline.

NM_014727.3(KMT2B):c.4379A>G (p.His1460Arg)

Gene: KMT2B (lysine methyltransferase 2B; plus strand). Cytogenetic location: 19q13.12.
Variant type: single nucleotide variant.
Coding change: c.4379A>G on transcript NM_014727.3 (MANE Select); coding-DNA position 4379, A replaced by G.
Protein change: p.His1460Arg; replaces histidine 1460 with arginine.
Molecular consequence: missense variant.
Genome position (GRCh38, 1-based): chr19:35,727,774, A>G. VCF-style: chr19-35727774-A-G. GRCh37 (hg19) VCF-style: chr19-36218675-A-G.
Other names: short protein forms H1460R.
Identifiers: ClinVar variation 2078671 (VCV002078671.28), dbSNP rs201381045, ClinGen allele CA9385062.